The following is an entry in ClinVar:

ClinVar aggregate classification (germline): Benign. Review status: criteria provided, multiple submitters, no conflicts (2 of 4 stars). 6 submissions from 6 submitters: Benign (4). 2 of the submissions do not count toward it. Last evaluated 2026-02-04.

Conditions:
Osteogenesis imperfecta (OI). Identifiers: Orphanet 666, MedGen C0029434, MeSH D010013, MONDO:0019019.

Allele frequency attached by ClinVar (database versions not stated): gnomAD exomes 0.01082 and 0.01364; ExAC 0.01557; 1000 Genomes Project 0.02835; 1000 Genomes Project 30x 0.02920; gnomAD 0.03461 and 0.03714; TOPMed 0.03847; ESP Exome Variant Server 0.04367.
gnomAD v4.1: 21,149 of 1,613,754 alleles (1.3%); highest among the groups gnomAD compares: African/African-American, 11%; 506 homozygotes.

Submissions (6):

Labcorp Genetics (formerly Invitae), Labcorp
Classification: Benign. Last evaluated: 2026-02-04. Review status: criteria provided, single submitter. Criteria: Invitae Variant Classification Sherloc (09022015). Collection method: clinical testing. Allele origin: germline.

Genome Diagnostics Laboratory, The Hospital for Sick Children
Classification: Benign for Osteogenesis imperfecta. Last evaluated: 2022-07-09. Review status: criteria provided, single submitter. Criteria: ACMG Guidelines, 2015. Collection method: clinical testing. Allele origin: germline.

GeneDx
Classification: Benign. Last evaluated: 2017-12-13. Review status: criteria provided, single submitter. Criteria: GeneDx Variant Classification (06012015). Collection method: clinical testing. Allele origin: germline. Affected: yes.
Comment: This variant is considered likely benign or benign based on one or more of the following criteria: it is a conservative change, it occurs at a poorly conserved position in the protein, it is predicted to be benign by multiple in silico algorithms, and/or has population frequency not consistent with disease.

Breakthrough Genomics
Classification: Benign. Review status: criteria provided, single submitter. Criteria: ACMG Guidelines, 2015. Collection method: not provided. Allele origin: germline. Inheritance: Autosomal recessive inheritance. Affected: yes.

Genome Diagnostics Laboratory, Amsterdam University Medical Center
Classification: Benign. Review status: no assertion criteria provided. Collection method: clinical testing. Allele origin: germline. Affected: yes. Study: VKGL Data-share Consensus. Not counted in ClinVar's aggregate classification.

Laboratory of Diagnostic Genome Analysis, Leiden University Medical Center (LUMC)
Classification: Likely benign. Review status: no assertion criteria provided. Collection method: clinical testing. Allele origin: germline. Affected: yes. Study: VKGL Data-share Consensus. Not counted in ClinVar's aggregate classification.

NM_018112.3(TMEM38B):c.761G>C (p.Cys254Ser)

Gene: TMEM38B (transmembrane protein 38B; plus strand). Cytogenetic location: 9q31.2.
Variant type: single nucleotide variant.
Coding change: c.761G>C on transcript NM_018112.3 (MANE Select); coding-DNA position 761, G replaced by C.
Protein change: p.Cys254Ser; replaces cysteine 254 with serine.
Molecular consequence: missense variant.
Genome position (GRCh38, 1-based): chr9:105,773,965, G>C. VCF-style: chr9-105773965-G-C. GRCh37 (hg19) VCF-style: chr9-108536246-G-C.
Other names: short protein forms C254S.
Identifiers: ClinVar variation 516239 (VCV000516239.15), dbSNP rs35232724, ClinGen allele CA5171007.